The following is an entry in ClinVar:

NM_002715.4(PPP2CA):c.575A>C (p.Glu192Ala)

Gene: PPP2CA (protein phosphatase 2 catalytic subunit alpha; minus strand). Cytogenetic location: 5q31.1.
Variant type: single nucleotide variant.
Coding change: c.575A>C on transcript NM_002715.4 (MANE Select); coding-DNA position 575, A replaced by C.
Protein change: p.Glu192Ala; replaces glutamic acid 192 with alanine.
Molecular consequence: missense variant. On other transcripts: non-coding transcript variant (1).
Genome position (GRCh38, 1-based): chr5:134,200,986, T>G on the plus strand (A>C on the coding strand, the complement: PPP2CA is on the minus strand). VCF-style: chr5-134200986-T-G. GRCh37 (hg19) VCF-style: chr5-133536677-T-G.
Other names: c.380A>C, p.Glu127Ala (NM_001355019.2); short protein forms E127A, E192A.
Identifiers: ClinVar variation 2637191 (VCV002637191.1), dbSNP rs2481049567, ClinGen allele CA360992580.

ClinVar aggregate classification (germline): Uncertain significance (1 of 4 stars; one submission).

Conditions:
PPP2CA-related disorder. Also called: PPP2CA-related condition.

Submission:

PreventionGenetics, part of Exact Sciences
Classification: Uncertain significance for PPP2CA-related condition. Last evaluated: 2022-11-07. Review status: criteria provided, single submitter. Criteria: ACMG Guidelines, 2015. Collection method: clinical testing. Allele origin: germline.
Comment: The PPP2CA c.575A>C variant is predicted to result in the amino acid substitution p.Glu192Ala. To our knowledge, this variant has not been reported in the literature or in a large population database, indicating this variant is rare. At this time, the clinical significance of this variant is uncertain due to the absence of conclusive functional and genetic evidence.